The following is an entry in ClinVar:

ClinVar aggregate classification (germline): Likely benign (1 of 4 stars; one submission).

Allele frequency attached by ClinVar (database versions not stated): TOPMed 0.00003; ExAC 0.00004; gnomAD exomes 0.00006; gnomAD 0.00007; 1000 Genomes Project 30x 0.00016; 1000 Genomes Project 0.00020.
gnomAD v4.1: 98 of 1,614,206 alleles (0.0061%); highest among the groups gnomAD compares: Non-Finnish European, 0.0078%; no homozygotes.

Submission:

CeGaT Center for Human Genetics Tuebingen
Classification: Likely benign. Last evaluated: 2023-01-01. Review status: criteria provided, single submitter. Criteria: CeGaT Center For Human Genetics Tuebingen Variant Classification Criteria Version 2. Collection method: clinical testing. Allele origin: germline. Affected: yes. Observed: 1 variant allele.
Comment: ZNF532: BP4, BP7

NM_001375912.1(ZNF532):c.150C>T (p.Asp50=)

Gene: ZNF532 (zinc finger protein 532; plus strand). Cytogenetic location: 18q21.32.
Variant type: single nucleotide variant.
Coding change: c.150C>T on transcript NM_001375912.1 (MANE Select); coding-DNA position 150, C replaced by T.
Protein change: p.Asp50=; no amino-acid change (aspartic acid 50 retained).
Molecular consequence: synonymous variant. On other transcripts: non-coding transcript variant (2).
Genome position (GRCh38, 1-based): chr18:58,918,437, C>T. VCF-style: chr18-58918437-C-T. GRCh37 (hg19) VCF-style: chr18-56585669-C-T.
Other names: c.150C>T, p.Asp50= (NM_001318726.2, NM_001318727.2, NM_001318728.2 and 16 more transcripts).
Identifiers: ClinVar variation 2648764 (VCV002648764.24), dbSNP rs201828621, ClinGen allele CA8978159.